The following is an entry in ClinVar:

NM_000179.3(MSH6):c.3522T>G (p.Phe1174Leu)

Gene: MSH6 (mutS homolog 6; plus strand). Cytogenetic location: 2p16.3.
Variant type: single nucleotide variant.
Coding change: c.3522T>G on transcript NM_000179.3 (MANE Select); coding-DNA position 3522, T replaced by G.
Protein change: p.Phe1174Leu; replaces phenylalanine 1174 with leucine.
Molecular consequence: missense variant.
Genome position (GRCh38, 1-based): chr2:47,804,993, T>G. VCF-style: chr2-47804993-T-G. GRCh37 (hg19) VCF-style: chr2-48032132-T-G.
Other names: c.3132T>G, p.Phe1044Leu (NM_001281492.2); c.2616T>G, p.Phe872Leu (NM_001281493.2, NM_001281494.2); short protein forms F1044L, F1174L, F872L.
Identifiers: ClinVar variation 823881 (VCV000823881.10), dbSNP rs768759155, ClinGen allele CA346760216.

ClinVar aggregate classification (germline): Uncertain significance. Review status: criteria provided, multiple submitters, no conflicts (2 of 4 stars). 3 submissions from 3 submitters: Uncertain significance (3). Last evaluated 2024-09-25.

Conditions:
Hereditary nonpolyposis colorectal neoplasms. Identifiers: MedGen C0009405, MeSH D003123.
Hereditary cancer-predisposing syndrome. Also called: Neoplastic Syndromes, Hereditary; Tumor predisposition; Hereditary neoplastic syndrome; Hereditary Cancer Syndrome. Identifiers: Orphanet 140162, MedGen C0027672, MeSH D009386, MONDO:0015356.

Submissions (3):

Labcorp Genetics (formerly Invitae), Labcorp
Classification: Uncertain significance for Hereditary nonpolyposis colorectal neoplasms. Last evaluated: 2024-09-25. Review status: criteria provided, single submitter. Criteria: Invitae Variant Classification Sherloc (09022015). Collection method: clinical testing. Allele origin: germline.
Comment: This sequence change replaces phenylalanine, which is neutral and non-polar, with leucine, which is neutral and non-polar, at codon 1174 of the MSH6 protein (p.Phe1174Leu). This variant is not present in population databases (gnomAD no frequency). This variant has not been reported in the literature in individuals affected with MSH6-related conditions. ClinVar contains an entry for this variant (Variation ID: 823881). Invitae Evidence Modeling of protein sequence and biophysical properties (such as structural, functional, and spatial information, amino acid conservation, physicochemical variation, residue mobility, and thermodynamic stability) has been performed for this missense variant. However, the output from this modeling did not meet the statistical confidence thresholds required to predict the impact of this variant on MSH6 protein function. In summary, the available evidence is currently insufficient to determine the role of this variant in disease. Therefore, it has been classified as a Variant of Uncertain Significance.

Color Diagnostics, LLC DBA Color Health
Classification: Uncertain significance for Hereditary cancer-predisposing syndrome. Last evaluated: 2023-12-05. Review status: criteria provided, single submitter. Criteria: ACMG Guidelines, 2015. Collection method: clinical testing. Allele origin: germline.
Comment: This missense variant replaces phenylalanine with leucine at codon 1174 of the MSH6 protein. Computational prediction suggests that this variant may have deleterious impact on protein structure and function (internally defined REVEL score threshold >= 0.7, PMID: 27666373). To our knowledge, functional studies have not been reported for this variant. This variant has not been reported in individuals affected with MSH6-related disorders in the literature. This variant has not been identified in the general population by the Genome Aggregation Database (gnomAD). The available evidence is insufficient to determine the role of this variant in disease conclusively. Therefore, this variant is classified as a Variant of Uncertain Significance.

Ambry Genetics
Classification: Uncertain significance for Hereditary cancer-predisposing syndrome. Last evaluated: 2019-08-19. Review status: criteria provided, single submitter. Criteria: Ambry Variant Classification Scheme 2023. Collection method: clinical testing. Allele origin: germline.
Comment: The p.F1174L variant (also known as c.3522T>G), located in coding exon 6 of the MSH6 gene, results from a T to G substitution at nucleotide position 3522. The phenylalanine at codon 1174 is replaced by leucine, an amino acid with highly similar properties. This amino acid position is highly conserved in available vertebrate species. In addition, this alteration is predicted to be deleterious by in silico analysis. Since supporting evidence is limited at this time, the clinical significance of this alteration remains unclear.